The following is an entry in ClinVar:

ClinVar aggregate classification (germline): Uncertain significance (1 of 4 stars; one submission).

Submission:

Laboratorio de Genetica e Diagnostico Molecular, Hospital Israelita Albert Einstein
Classification: Uncertain significance. Last evaluated: 2020-11-16. Review status: criteria provided, single submitter. Criteria: ACMG Guidelines, 2015. Collection method: clinical testing. Allele origin: germline. Affected: yes.
Comment: ACMG classification criteria: PM2, BP4

NM_021008.4(DEAF1):c.103G>A (p.Gly35Ser)

Gene: DEAF1 (DEAF1 transcription factor; minus strand). Cytogenetic location: 11p15.5.
Variant type: single nucleotide variant.
Coding change: c.103G>A on transcript NM_021008.4 (MANE Select); coding-DNA position 103, G replaced by A.
Protein change: p.Gly35Ser; replaces glycine 35 with serine.
Molecular consequence: missense variant. On other transcripts: intron variant (1).
Genome position (GRCh38, 1-based): chr11:694,945, C>T on the plus strand (G>A on the coding strand, the complement: DEAF1 is on the minus strand). VCF-style: chr11-694945-C-T. GRCh37 (hg19) VCF-style: chr11-694945-C-T.
Other names: c.103G>A, p.Gly35Ser (NM_001293634.2); c.-437-3347G>A (NM_001367390.1); short protein forms G35S.
Identifiers: ClinVar variation 1690971 (VCV001690971.2), dbSNP rs904775713, ClinGen allele CA378940111.